The following is an entry in ClinVar:

NM_145059.3(FCSK):c.2702G>A (p.Arg901Gln)

Gene: FCSK (fucose kinase; plus strand). Cytogenetic location: 16q22.1.
Variant type: single nucleotide variant.
Coding change: c.2702G>A on transcript NM_145059.3 (MANE Select); coding-DNA position 2702, G replaced by A.
Protein change: p.Arg901Gln; replaces arginine 901 with glutamine.
Molecular consequence: missense variant.
Genome position (GRCh38, 1-based): chr16:70,478,332, G>A. VCF-style: chr16-70478332-G-A. GRCh37 (hg19) VCF-style: chr16-70512235-G-A.
Other names: c.2702G>A (NM_145059.2); short protein forms R901Q.
Identifiers: ClinVar variation 2057161 (VCV002057161.6), dbSNP rs201287158, ClinGen allele CA8143711.
Genomic context (GRCh38, chr16:70,478,332, plus strand): 5'-GAGGTGGCTGGCAGGACCAAGTAGGTGGCCTAATGCCTGGCATCAAGGTGGGGCGCTCCC[G>A]GGCTCAGCTGCCACTGAAGGTGGAGGTAGAAGAGGTCACGGTGCCTGAGGGCTTTGTCCA-3'
Protein context (NP_659496.2, residues 891-911): LMPGIKVGRS[Arg901Gln]AQLPLKVEVE

ClinVar aggregate classification (germline): Uncertain significance. Review status: criteria provided, multiple submitters, no conflicts (2 of 4 stars). 2 submissions from 2 submitters: Uncertain significance (2). Last evaluated 2026-01-12.

Allele frequency attached by ClinVar (database versions not stated): 1000 Genomes Project 0.00060; 1000 Genomes Project 30x 0.00078; gnomAD 0.00081; ExAC 0.00084; TOPMed 0.00085; ESP Exome Variant Server 0.00088; gnomAD exomes 0.00125.
gnomAD v4.1: 1,928 of 1,614,180 alleles (0.12%); highest among the groups gnomAD compares: Middle Eastern, 0.21%; no homozygotes.

Submissions (2):

Labcorp Genetics (formerly Invitae), Labcorp
Classification: Uncertain significance. Last evaluated: 2026-01-12. Review status: criteria provided, single submitter. Criteria: Invitae Variant Classification Sherloc (09022015). Collection method: clinical testing. Allele origin: germline.
Comment: This sequence change replaces arginine, which is basic and polar, with glutamine, which is neutral and polar, at codon 901 of the FUK protein (p.Arg901Gln). This variant is present in population databases (rs201287158, gnomAD 0.1%), and has an allele count higher than expected for a pathogenic variant. This variant has not been reported in the literature in individuals affected with FUK-related conditions. ClinVar contains an entry for this variant (Variation ID: 2057161). An algorithm developed to predict the effect of missense changes on protein structure and function outputs the following: PolyPhen-2: "Benign". The glutamine amino acid residue is found in multiple mammalian species, which suggests that this missense change does not adversely affect protein function. In summary, the available evidence is currently insufficient to determine the role of this variant in disease. Therefore, it has been classified as a Variant of Uncertain Significance.

Ambry Genetics
Classification: Uncertain significance. Last evaluated: 2025-12-11. Review status: criteria provided, single submitter. Criteria: Ambry Variant Classification Scheme 2023. Collection method: clinical testing. Allele origin: germline.